The following is an entry in ClinVar:

NM_001273.5(CHD4):c.4083_4094del (p.Asn1362_Asp1365del)

Genes: CHD4 (chromodomain helicase DNA binding protein 4; minus strand), CHD4-AS1 (CHD4 antisense RNA 1; plus strand). Cytogenetic location: 12p13.31.
Variant type: Deletion.
Coding change: c.4083_4094del on transcript NM_001273.5 (MANE Select); coding-DNA positions 4083 to 4094, 12 bases deleted (CAACCAGTCCGA).
Protein change: p.Asn1362_Asp1365del.
Molecular consequence: inframe deletion.
Genome position (GRCh38, 1-based): chr12:6,583,080-6,583,091, TCGGACTGGTTG deleted on the plus strand (CAACCAGTCCGA on the coding strand, the reverse complement: CHD4 is on the minus strand); deleting any 12 consecutive bases within chr12:6,583,080-6,583,101 gives the same sequence; the c. name uses the placement nearest the transcript's 3' end. VCF-style (leftmost placement, unchanged base first): chr12-6583079-ATCGGACTGGTTG-A. GRCh37 (hg19) VCF-style: chr12-6692245-ATCGGACTGGTTG-A.
Other names: c.4062_4073del, p.Asn1355_Asp1358del (NM_001297553.2); c.4044_4055del, p.Asn1349_Asp1352del (NM_001363606.2).
Identifiers: ClinVar variation 3255051 (VCV003255051.1), dbSNP rs2540383085.
Genomic context (GRCh38, chr12:6,583,079, plus strand): 5'-GCCCTCACCTTCTGAACGTTCATCAAAGTCTTCATCACCTTCCTCTGAAGCCACTGAGTA[ATCGGACTGGTTG>A]TCGGACTGGTCGTCCTGCCAATCTGGAGGGAGAGAGGGCAGATGAGCGGGGCCCACTGCT-3'

ClinVar aggregate classification (germline): Uncertain significance (1 of 4 stars; one submission).

Conditions:
Sifrim-Hitz-Weiss syndrome (SIHIWES). Also called: CHD4 Neurodevelopmental Disorder; SIFRIM-HITZ-WEISS MULTIPLE CONGENITAL ANOMALIES-MENTAL RETARDATION SYNDROME. Identifiers: Orphanet 653712, MedGen C4310688, MONDO:0014946, OMIM 617159.

Submission:

Victorian Clinical Genetics Services, Murdoch Childrens Research Institute
Classification: Uncertain significance for Sifrim-Hitz-Weiss syndrome. Last evaluated: 2023-07-17. Review status: criteria provided, single submitter. Criteria: ACMG Guidelines, 2015. Collection method: clinical testing. Allele origin: germline. Inheritance: Autosomal dominant inheritance. Affected: yes.
Comment: Based on the classification scheme VCGS_Germline_v1.3.4, this variant is classified as VUS-3A. Following criteria are met: 0102 - Loss of function is a known mechanism of disease in this gene and is associated with Sifrim-Hitz-Weiss syndrome (MIM#617159). Loss of function is a mechanism associated with missense variants and a likely mechanism associated with protein truncating variants (PMID: 31388190). (I) 0107 - This gene is associated with autosomal dominant disease. (I) 0115 - Variants in this gene are known to have variable expressivity (OMIM; PMID: 31388190). (I) 0213 - In-frame insertion in a non-repetitive region that has high conservation. (SP) 0251 - This variant is heterozygous. (I) 0301 - Variant is absent from gnomAD (both v2 and v3). (SP) 0604 - Variant is not located in an established domain, motif, hotspot or informative constraint region. (I) 0705 - No comparable overlapping in-frame deletion or missense variants have previous evidence for pathogenicity. (I) 0807 - This variant has no previous evidence of pathogenicity. (I) 0905 - No published segregation evidence has been identified for this variant. (I) 1007 - No published functional evidence has been identified for this variant. (SP) Legend: (SP) - Supporting pathogenic, (I) - Information, (SB) - Supporting benign

Literature cited by the submitters: PubMed 31388190.